The following is an entry in ClinVar:

ClinVar aggregate classification (germline): Uncertain significance. Review status: criteria provided, single submitter (1 of 4 stars). 2 submissions from 2 submitters: Uncertain significance (1). 1 of the submissions does not count toward it. Last evaluated 2022-07-07.

Conditions:
Generalized resistance to thyroid hormone. Also called: Impaired sensitivity to thyroid hormone; Generalized thyroid hormone resistance; Syndrome of reduced sensitivity to thyroid hormone; Thyroid hormone receptor BETA. Identifiers: Orphanet 596426, MedGen C4722330, MONDO:0009043, HP:0002930.

Submissions (2):

Women's Health and Genetics/Laboratory Corporation of America, LabCorp
Classification: Uncertain significance. Last evaluated: 2022-07-07. Review status: criteria provided, single submitter. Criteria: LabCorp Variant Classification Summary - May 2015. Collection method: clinical testing. Allele origin: germline.
Comment: Variant summary: THRB c.929T>C (p.Met310Thr) results in a non-conservative amino acid change located in the Nuclear hormone receptor, ligand-binding domain (IPR000536) of the encoded protein sequence. Five of five in-silico tools predict a damaging effect of the variant on protein function. The variant was absent in 251438 control chromosomes (gnomAD). c.929T>C has been reported in the literature in at least two heterozygous individuals affected with Generalized, Autosomal Dominant Thyroid Hormone Resistance (Takeda_1992, Kim_2010). These data indicate that the variant may be associated with disease. To our knowledge, no experimental evidence demonstrating an impact on protein function has been reported. No clinical diagnostic laboratories have submitted clinical-significance assessments for this variant to ClinVar after 2014. Based on the evidence outlined above, the variant was classified as VUS-possibly pathogenic.

OMIM
Classification: Pathogenic for THYROID HORMONE RESISTANCE, GENERALIZED. Last evaluated: 1994-05-01. Review status: no assertion criteria provided. Collection method: literature only. Allele origin: germline. Not counted in ClinVar's aggregate classification.

Literature cited by the submitters: PubMed 20808683 (cited by Women's Health and Genetics/Laboratory Corporation of America, LabCorp); PubMed 1548332 (cited by Women's Health and Genetics/Laboratory Corporation of America, LabCorp); PubMed 8013151 (cited by OMIM).

NM_001354712.2(THRB):c.929T>C (p.Met310Thr)

Gene: THRB (thyroid hormone receptor beta; minus strand). Cytogenetic location: 3p24.2.
Variant type: single nucleotide variant.
Coding change: c.929T>C on transcript NM_001354712.2 (MANE Select); coding-DNA position 929, T replaced by C.
Protein change: p.Met310Thr; replaces methionine 310 with threonine.
Molecular consequence: missense variant.
Genome position (GRCh38, 1-based): chr3:24,127,714, A>G on the plus strand (T>C on the coding strand, the complement: THRB is on the minus strand). VCF-style: chr3-24127714-A-G. GRCh37 (hg19) VCF-style: chr3-24169205-A-G.
Other names: c.929T>C, p.Met310Thr (NM_000461.5, NM_001128176.3, NM_001128177.2 and 6 more transcripts); c.836T>C, p.Met279Thr (NM_001354714.2, NM_001354715.2); short protein forms M310T, M279T.
Identifiers: ClinVar variation 12540 (VCV000012540.2), dbSNP rs121918699, ClinGen allele CA122463.
Genomic context (GRCh38, chr3:24,127,714, plus strand): 5'-AAGGTTAAAGTCTCACTTTCTGGGTCATAGCGCACAGCAGCGCGAAGGGACATGATCTCC[A>G]TGCAGCAGCCTTTGAGGAGGATGATCTGGTCTTCACATGGCAGCTGAAAAGAACCAGTTC-3'
Protein context (NP_001341641.1, residues 300-320): DQIILLKGCC[Met310Thr]EIMSLRAAVR